The following is an entry in ClinVar:

NM_014270.5(SLC7A9):c.324C>T (p.Pro108=)

Gene: SLC7A9 (solute carrier family 7 member 9; minus strand). Cytogenetic location: 19q13.11.
Variant type: single nucleotide variant.
Coding change: c.324C>T on transcript NM_014270.5 (MANE Select); coding-DNA position 324, C replaced by T.
Protein change: p.Pro108=; no amino-acid change (proline 108 retained).
Molecular consequence: synonymous variant.
Genome position (GRCh38, 1-based): chr19:32,864,250, G>A on the plus strand (C>T on the coding strand, the complement: SLC7A9 is on the minus strand). VCF-style: chr19-32864250-G-A. GRCh37 (hg19) VCF-style: chr19-33355156-G-A.
Other names: c.324C>T, p.Pro108= (NM_001126335.2, NM_001243036.2).
Identifiers: ClinVar variation 328764 (VCV000328764.13), dbSNP rs375773222, ClinGen allele CA9358871.

ClinVar aggregate classification (germline): Conflicting classifications of pathogenicity. Review status: criteria provided, conflicting classifications (1 of 4 stars). 3 submissions from 3 submitters: Uncertain significance (1); Likely benign (2). Last evaluated 2025-02-19.

Conditions:
Cystinuria (CSNU). Also called: CYSTINURIA, TYPE I; CYSTINURIA, TYPE II; CYSTINURIA, TYPE III; Cystinuria, non-type I. Identifiers: Orphanet 214, MedGen C0010691, MONDO:0009067, OMIM 220100, HP:0003131.
SLC7A9-related disorder. Also called: SLC7A9-related condition.

Allele frequency attached by ClinVar (database versions not stated): ESP Exome Variant Server 0.00008; gnomAD 0.00010 and 0.00011; gnomAD exomes 0.00011 and 0.00020; ExAC 0.00012; TOPMed 0.00012; 1000 Genomes Project 30x 0.00016; 1000 Genomes Project 0.00020.
gnomAD v4.1: 317 of 1,614,180 alleles (0.02%); highest among the groups gnomAD compares: Non-Finnish European, 0.025%; no homozygotes.

Submissions (3):

PreventionGenetics, part of Exact Sciences
Classification: Likely benign for SLC7A9-related condition. Last evaluated: 2025-02-19. Review status: criteria provided, single submitter. Criteria: ACMG Guidelines, 2015. Collection method: clinical testing. Allele origin: germline.
Comment: This variant is classified as likely benign based on ACMG/AMP sequence variant interpretation guidelines (Richards et al. 2015 PMID: 25741868, with internal and published modifications).

Labcorp Genetics (formerly Invitae), Labcorp
Classification: Likely benign. Last evaluated: 2024-12-03. Review status: criteria provided, single submitter. Criteria: Invitae Variant Classification Sherloc (09022015). Collection method: clinical testing. Allele origin: germline.

Illumina Laboratory Services, Illumina
Classification: Uncertain significance for Cystinuria. Last evaluated: 2018-01-12. Review status: criteria provided, single submitter. Criteria: ICSL Variant Classification Criteria 13 December 2019. Collection method: clinical testing. Allele origin: germline.